The following is an entry in ClinVar:

NM_001290043.2(TAP2):c.1144-6T>A

Gene: TAP2 (transporter 2, ATP binding cassette subfamily B member; minus strand). Cytogenetic location: 6p21.32.
Variant type: single nucleotide variant.
Coding change: c.1144-6T>A on transcript NM_001290043.2 (MANE Select); 6 bases into the intron before coding-DNA position 1144, T replaced by A.
Molecular consequence: intron variant.
Genome position (GRCh38, 1-based): chr6:32,832,467, A>T on the plus strand (T>A on the coding strand, the complement: TAP2 is on the minus strand). VCF-style: chr6-32832467-A-T. GRCh37 (hg19) VCF-style: chr6-32800244-A-T.
Other names: c.1144-6T>A (NM_000544.3, NM_018833.3).
Identifiers: ClinVar variation 768079 (VCV000768079.13), dbSNP rs9461814, ClinGen allele CA3745976.

ClinVar aggregate classification (germline): Benign/Likely benign. Review status: criteria provided, multiple submitters, no conflicts (2 of 4 stars). 3 submissions from 3 submitters: Benign (1); Likely benign (1). 1 of the submissions does not count toward it. Last evaluated 2025-09-06.

Conditions:
MHC class I deficiency. Identifiers: Orphanet 34592, MedGen C6024714, MONDO:0011476.
TAP2-related disorder. Also called: TAP2-related condition.

Allele frequency attached by ClinVar (database versions not stated): 1000 Genomes Project 0.01258; TOPMed 0.01299; 1000 Genomes Project 30x 0.01343.
gnomAD v4.1: 5,545 of 1,612,324 alleles (0.34%); highest among the groups gnomAD compares: African/African-American, 2.9%; 63 homozygotes.

Submissions (6):

Labcorp Genetics (formerly Invitae), Labcorp
Classification: Benign for MHC class I deficiency 1. Last evaluated: 2025-09-06. Review status: criteria provided, single submitter. Criteria: Invitae Variant Classification Sherloc (09022015). Collection method: clinical testing. Allele origin: germline.

Blueprint Genetics
Classification: Likely benign. Last evaluated: 2024-11-26. Review status: criteria provided, single submitter. Criteria: ACMG Guidelines, 2015. Collection method: clinical testing. Allele origin: germline.

PreventionGenetics, part of Exact Sciences
Classification: Benign for TAP2-related condition. Last evaluated: 2019-04-01. Review status: no assertion criteria provided. Collection method: clinical testing. Allele origin: germline. Not counted in ClinVar's aggregate classification.
Comment: This variant is classified as benign based on ACMG/AMP sequence variant interpretation guidelines (Richards et al. 2015 PMID: 25741868, with internal and published modifications).

Dr. Peter K. Rogan Lab, Western University
No classification provided (evidence only). Condition: Cervical cancer. Review status: no classification provided. Collection method: in vitro. Allele origin: not applicable. Functional consequence: retained intron. Not counted in ClinVar's aggregate classification.

Dr. Peter K. Rogan Lab, Western University
No classification provided (evidence only). Condition: Chronic lymphocytic leukemia/small lymphocytic lymphoma. Review status: no classification provided. Collection method: in vitro. Allele origin: not applicable. Functional consequence: skipped exon, retained intron. Not counted in ClinVar's aggregate classification.

Dr. Peter K. Rogan Lab, Western University
No classification provided (evidence only). Condition: Chronic lymphocytic leukemia/small lymphocytic lymphoma. Review status: no classification provided. Collection method: in vitro. Allele origin: not applicable. Functional consequence: skipped exon, retained intron. Not counted in ClinVar's aggregate classification.